The following is an entry in ClinVar:

ClinVar aggregate classification (germline): Uncertain significance (1 of 4 stars; one submission).

Conditions:
Alstrom syndrome (ALMS). Identifiers: Orphanet 64, MedGen C0268425, MONDO:0008763, OMIM 203800.

Submission:

Labcorp Genetics (formerly Invitae), Labcorp
Classification: Uncertain significance for Alstrom syndrome. Last evaluated: 2022-08-09. Review status: criteria provided, single submitter. Criteria: Invitae Variant Classification Sherloc (09022015). Collection method: clinical testing. Allele origin: germline.
Comment: This variant, c.12155_12158delinsACAT, is a complex sequence change that results in the deletion of 2 and insertion of 2 amino acid(s) in the ALMS1 protein (p.Arg4052_Ser4053delinsHisIle). This variant is not present in population databases (gnomAD no frequency). This variant has not been reported in the literature in individuals affected with ALMS1-related conditions. ClinVar contains an entry for this variant (Variation ID: 1405095). Experimental studies and prediction algorithms are not available or were not evaluated, and the functional significance of this variant is currently unknown. In summary, the available evidence is currently insufficient to determine the role of this variant in disease. Therefore, it has been classified as a Variant of Uncertain Significance.

NM_001378454.1(ALMS1):c.12152_12155delinsACAT (p.Arg4051_Ser4052delinsHisIle)

Genes: ALMS1 (ALMS1 centrosome and basal body associated protein; plus strand), LOC126806252 (BRD4-independent group 4 enhancer GRCh37_chr2:73828496-73829695; plus strand). Cytogenetic location: 2p13.1.
Variant type: Indel.
Coding change: c.12152_12155delinsACAT on transcript NM_001378454.1 (MANE Select); coding-DNA positions 12152 to 12155, GCTC replaced by ACAT.
Protein change: p.Arg4051_Ser4052delinsHisIle.
Molecular consequence: missense variant.
Genome position (GRCh38, 1-based): chr2:73,602,222-73,602,225, GCTC replaced by ACAT. VCF-style: chr2-73602222-GCTC-ACAT. GRCh37 (hg19) VCF-style: chr2-73829349-GCTC-ACAT.
Other names: c.12155_12158delinsACAT, p.Arg4052_Ser4053delinsHisIle (NM_015120.4).
Identifiers: ClinVar variation 970719 (VCV000970719.6), dbSNP rs1675710118, ClinGen allele CA1139657126.
Genomic context (GRCh38, chr2:73,602,222, plus strand): 5'-TTTCTCTTTTTTTTTTCTTTTAGGAATCGCTTCAGTTTCACAGACCTGACTTCATCTCCC[GCTC>ACAT]TGGGGAGCGGATAAAGCGCCTGAAGTTAATAGTCCAGGAGAGGAAGCTGCAGAGCATGTT-3'